The following is an entry in ClinVar:

NM_003489.4(NRIP1):c.3364A>G (p.Arg1122Gly)

Gene: NRIP1 (nuclear receptor interacting protein 1; minus strand). Cytogenetic location: 21q11.2.
Variant type: single nucleotide variant.
Coding change: c.3364A>G on transcript NM_003489.4 (MANE Select); coding-DNA position 3364, A replaced by G.
Protein change: p.Arg1122Gly; replaces arginine 1122 with glycine.
Molecular consequence: missense variant.
Genome position (GRCh38, 1-based): chr21:14,964,829, T>C on the plus strand (A>G on the coding strand, the complement: NRIP1 is on the minus strand). VCF-style: chr21-14964829-T-C. GRCh37 (hg19) VCF-style: chr21-16337150-T-C.
Other names: short protein forms R1122G.
Identifiers: ClinVar variation 2394795 (VCV002394795.6), dbSNP rs577938779, ClinGen allele CA9980973.
Genomic context (GRCh38, chr21:14,964,829, plus strand): 5'-CTCCATTTGCGCTGTGTGGGCGAGAAGCATTATTTCCCATATGGCTATTGTAAGGGCTTC[T>C]TAAATTAAAGAAAGAAGCTTTCGTTTCTGCAGTAGGAAGTAACTCTTCTTTGGCTGTGAC-3'
Protein context (NP_003480.2, residues 1112-1132): AETKASFFNL[Arg1122Gly]SPYNSHMGNN

ClinVar aggregate classification (germline): Uncertain significance. Review status: criteria provided, multiple submitters, no conflicts (2 of 4 stars). 3 submissions from 3 submitters: Uncertain significance (3). Last evaluated 2024-12-19.

Conditions:
Congenital anomalies of kidney and urinary tract 3. Identifiers: MedGen C4748921, MONDO:0032646, OMIM 618270.
Inborn genetic diseases. Identifiers: MedGen C0950123, MeSH D030342.

Allele frequency attached by ClinVar (database versions not stated): gnomAD 0.00001; gnomAD exomes 0.00001; TOPMed 0.00001; ExAC 0.00002; 1000 Genomes Project 30x 0.00016; 1000 Genomes Project 0.00020.
gnomAD v4.1: 14 of 1,613,516 alleles (0.00087%); highest among the groups gnomAD compares: Middle Eastern, 0.033%; no homozygotes.

Submissions (3):

Genomic Medicine Center of Excellence, King Faisal Specialist Hospital and Research Centre
Classification: Uncertain significance for Congenital anomalies of kidney and urinary tract 3. Last evaluated: 2024-12-19. Review status: criteria provided, single submitter. Criteria: ACMG Guidelines, 2015. Collection method: clinical testing. Allele origin: germline.

Labcorp Genetics (formerly Invitae), Labcorp
Classification: Uncertain significance. Last evaluated: 2023-10-24. Review status: criteria provided, single submitter. Criteria: Invitae Variant Classification Sherloc (09022015). Collection method: clinical testing. Allele origin: germline.
Comment: This sequence change replaces arginine, which is basic and polar, with glycine, which is neutral and non-polar, at codon 1122 of the NRIP1 protein (p.Arg1122Gly). This variant is present in population databases (rs577938779, gnomAD 0.02%). This variant has not been reported in the literature in individuals affected with NRIP1-related conditions. ClinVar contains an entry for this variant (Variation ID: 2394795). An algorithm developed to predict the effect of missense changes on protein structure and function (PolyPhen-2) suggests that this variant is likely to be disruptive. In summary, the available evidence is currently insufficient to determine the role of this variant in disease. Therefore, it has been classified as a Variant of Uncertain Significance.

Ambry Genetics
Classification: Uncertain significance for Inborn genetic diseases. Last evaluated: 2021-09-01. Review status: criteria provided, single submitter. Criteria: Ambry Variant Classification Scheme 2023. Collection method: clinical testing. Allele origin: germline.